The following is an entry in ClinVar:

ClinVar aggregate classification (germline): Likely benign (1 of 4 stars; one submission).

Submission:

CeGaT Center for Human Genetics Tuebingen
Classification: Likely benign. Last evaluated: 2025-06-01. Review status: criteria provided, single submitter. Criteria: CeGaT Center For Human Genetics Tuebingen Variant Classification Criteria Version 2. Collection method: clinical testing. Allele origin: germline. Affected: yes. Observed: 2 variant alleles.
Comment: EXOSC5: BP4, BP7

NM_020158.4(EXOSC5):c.252T>A (p.Ile84=)

Gene: EXOSC5 (exosome component 5; minus strand). Cytogenetic location: 19q13.2.
Variant type: single nucleotide variant.
Coding change: c.252T>A on transcript NM_020158.4 (MANE Select); coding-DNA position 252, T replaced by A.
Protein change: p.Ile84=; no amino-acid change (isoleucine 84 retained).
Molecular consequence: synonymous variant.
Genome position (GRCh38, 1-based): chr19:41,392,877, A>T on the plus strand (T>A on the coding strand, the complement: EXOSC5 is on the minus strand). VCF-style: chr19-41392877-A-T. GRCh37 (hg19) VCF-style: chr19-41898782-A-T.
Identifiers: ClinVar variation 3257661 (VCV003257661.17).
Genomic context (GRCh38, chr19:41,392,877, plus strand): 5'-TGATTTTGACAAACTGGGCACCACTCAGAGGTTCAGCAGGGCCCAATTACCAGGCAGCCC[A>T]ATCTTCGGCCTCAGGATCACTTCGAGTGTGGCCTTGTTGAAAATCTCTTTGCTGACCTTC-3'
Protein context (NP_064543.3, residues 74-94): ATLEVILRPK[Ile84=]GLPGVAEKSR